The following is an entry in ClinVar:

ClinVar aggregate classification (germline): Uncertain significance. Review status: criteria provided, multiple submitters, no conflicts (2 of 4 stars). 2 submissions from 2 submitters: Uncertain significance (2). Last evaluated 2025-12-08.

Conditions:
Loeys-Dietz syndrome 2 (LDS2). Also called: TGFBR2-Related Loeys-Dietz Syndrome; AORTIC ANEURYSM, FAMILIAL THORACIC 3; MARFAN SYNDROME, TYPE II; Marfan syndrome, type 2 (formerly); Marfan Syndrome type 2; Marfan like connective tissue disorder. Identifiers: Orphanet 284973, Orphanet 558, MedGen C2674574, MONDO:0012427, OMIM 610168.

gnomAD v4.1: 3 of 1,614,062 alleles (0.00019%); highest among the groups gnomAD compares: Non-Finnish European, 0.00025%; no homozygotes.

Submissions (2):

Labcorp Genetics (formerly Invitae), Labcorp
Classification: Uncertain significance for Loeys-Dietz syndrome 2. Last evaluated: 2025-12-08. Review status: criteria provided, single submitter. Criteria: Invitae Variant Classification Sherloc (09022015). Collection method: clinical testing. Allele origin: germline.
Comment: This sequence change replaces alanine, which is neutral and non-polar, with valine, which is neutral and non-polar, at codon 374 of the TMPO protein (p.Ala374Val). This variant is present in population databases (no rsID available, gnomAD 0.007%). This variant has not been reported in the literature in individuals affected with TMPO-related conditions. ClinVar contains an entry for this variant (Variation ID: 3458750). Invitae Evidence Modeling of protein sequence and biophysical properties (such as structural, functional, and spatial information, amino acid conservation, physicochemical variation, residue mobility, and thermodynamic stability) indicates that this missense variant is not expected to disrupt TMPO protein function with a negative predictive value of 80%. In summary, the available evidence is currently insufficient to determine the role of this variant in disease. Therefore, it has been classified as a Variant of Uncertain Significance.

Ambry Genetics
Classification: Uncertain significance. Last evaluated: 2024-07-14. Review status: criteria provided, single submitter. Criteria: Ambry Variant Classification Scheme 2023. Collection method: clinical testing. Allele origin: germline.
Comment: The p.A374V variant (also known as c.1121C>T), located in coding exon 4 of the TMPO gene, results from a C to T substitution at nucleotide position 1121. The alanine at codon 374 is replaced by valine, an amino acid with similar properties. This amino acid position is conserved. In addition, this alteration is predicted to be tolerated by in silico analysis. Based on the available evidence, the clinical significance of this variant remains unclear.

NM_001032283.3(TMPO):c.565+1540C>T

Gene: TMPO (thymopoietin; plus strand). Cytogenetic location: 12q23.1.
Variant type: single nucleotide variant.
Coding change: c.565+1540C>T on transcript NM_001032283.3 (MANE Select); 1540 bases into the intron after coding-DNA position 565, C replaced by T.
Molecular consequence: intron variant. On other transcripts: missense variant (1).
Genome position (GRCh38, 1-based): chr12:98,533,378, C>T. VCF-style: chr12-98533378-C-T. GRCh37 (hg19) VCF-style: chr12-98927156-C-T.
Other names: c.1121C>T, p.Ala374Val (NM_003276.2); c.565+1540C>T (NM_001307975.2, NM_001032284.3); short protein forms A374V.
Identifiers: ClinVar variation 3458750 (VCV003458750.2).